The following is an entry in ClinVar:

ClinVar aggregate classification (germline): Uncertain significance (1 of 4 stars; one submission).

Conditions:
Noonan syndrome 9 (NS9). Identifiers: Orphanet 648, MedGen C4225282, MONDO:0014691, OMIM 616559.

Submission:

Labcorp Genetics (formerly Invitae), Labcorp
Classification: Uncertain significance for Noonan syndrome 9. Last evaluated: 2024-01-09. Review status: criteria provided, single submitter. Criteria: Invitae Variant Classification Sherloc (09022015). Collection method: clinical testing. Allele origin: germline.
Comment: This sequence change affects a donor splice site in intron 5 of the SOS2 gene. It is expected to disrupt RNA splicing. Variants that disrupt the donor or acceptor splice site typically lead to a loss of protein function (PMID: 16199547), however the current clinical and genetic evidence is not sufficient to establish whether loss-of-function variants in SOS2 cause disease. This variant is not present in population databases (gnomAD no frequency). This variant has not been reported in the literature in individuals affected with SOS2-related conditions. Algorithms developed to predict the effect of sequence changes on RNA splicing suggest that this variant may disrupt the consensus splice site. In summary, the available evidence is currently insufficient to determine the role of this variant in disease. Therefore, it has been classified as a Variant of Uncertain Significance.

Literature cited by the submitters: PubMed 16199547.

NM_006939.4(SOS2):c.714+1G>A

Gene: SOS2 (SOS Ras/Rho guanine nucleotide exchange factor 2; minus strand). Cytogenetic location: 14q21.3.
Variant type: single nucleotide variant.
Coding change: c.714+1G>A on transcript NM_006939.4 (MANE Select); the canonical splice donor site of the intron after coding-DNA position 714, G replaced by A.
Molecular consequence: splice donor variant.
Genome position (GRCh38, 1-based): chr14:50,188,496, C>T on the plus strand (G>A on the coding strand, the complement: SOS2 is on the minus strand). VCF-style: chr14-50188496-C-T. GRCh37 (hg19) VCF-style: chr14-50655214-C-T.
Other names: c.714+1G>A (NM_001411020.1).
Identifiers: ClinVar variation 2730297 (VCV002730297.3), dbSNP rs2503132843, ClinGen allele CA389647927.
Genomic context (GRCh38, chr14:50,188,496, plus strand): 5'-GATTTTAAGCTGGTCTGGTTTTTTGGGGTACACAGAATTTCAAACCCAAAAAGGTACTTA[C>T]AGAAGGTTTAAACAGCTTTCTATCAGAAAGAAAGGCTTCTCGAAACACTTTTATGATCAT-3'